The following is an entry in ClinVar:

ClinVar aggregate classification (germline): Uncertain significance (1 of 4 stars; one submission).

Submission:

Labcorp Genetics (formerly Invitae), Labcorp
Classification: Uncertain significance. Last evaluated: 2025-12-08. Review status: criteria provided, single submitter. Criteria: Invitae Variant Classification Sherloc (09022015). Collection method: clinical testing. Allele origin: germline.
Comment: This sequence change replaces alanine, which is neutral and non-polar, with methionine, which is neutral and non-polar, at codon 74 of the FOXI3 protein (p.Ala74Met). The frequency data for this variant in the population databases is considered unreliable, as metrics indicate insufficient coverage at this position in the gnomAD database. This variant has not been reported in the literature in individuals affected with FOXI3-related conditions. ClinVar contains an entry for this variant (Variation ID: 2960168). Experimental studies and prediction algorithms are not available or were not evaluated, and the functional significance of this variant is currently unknown. In summary, the available evidence is currently insufficient to determine the role of this variant in disease. Therefore, it has been classified as a Variant of Uncertain Significance.

NM_001135649.3(FOXI3):c.220_221delinsAT (p.Ala74Met)

Gene: FOXI3 (forkhead box I3; minus strand). Cytogenetic location: 2p11.2.
Variant type: Indel.
Coding change: c.220_221delinsAT on transcript NM_001135649.3 (MANE Select); coding-DNA positions 220 to 221, GC replaced by AT.
Protein change: p.Ala74Met; replaces alanine 74 with methionine.
Molecular consequence: missense variant.
Genome position (GRCh38, 1-based): chr2:88,452,315-88,452,316, GC replaced by AT on the plus strand (GC replaced by AT on the coding strand, the reverse complement: FOXI3 is on the minus strand). VCF-style: chr2-88452315-GC-AT. GRCh37 (hg19) VCF-style: chr2-88751833-GC-AT.
Other names: short protein forms A74M.
Identifiers: ClinVar variation 2960168 (VCV002960168.3), dbSNP rs2528917500, ClinGen allele CA2740095675.